The following is an entry in ClinVar:

ClinVar aggregate classification (germline): Uncertain significance. Review status: criteria provided, multiple submitters, no conflicts (2 of 4 stars). 4 submissions from 4 submitters: Uncertain significance (4). Last evaluated 2025-08-09.

Conditions:
Brain small vessel disease 1 with or without ocular anomalies (BSVD1). Also called: PORENCEPHALY, TYPE 1, AUTOSOMAL DOMINANT; BRAIN SMALL VESSEL DISEASE WITH HEMORRHAGE; GOULD SYNDROME 1; Brain small vessel disease with or without ocular anomalies. Identifiers: Orphanet 2940, Orphanet 36383, Orphanet 99810, MedGen C4755307, MONDO:0008289, OMIM 175780.
Retinal arterial tortuosity. Also called: RETINAL HEMORRHAGE WITH VASCULAR TORTUOSITY; Retinal arteries, tortuosity of. Identifiers: Orphanet 75326, MedGen C0423401, MONDO:0008373, OMIM 180000, HP:0000631.
Microangiopathy and leukoencephalopathy, pontine, autosomal dominant. Also called: Pontine autosomal dominant microangiopathy with leukoencephalopathy; DEMENTIA, HEREDITARY MULTI-INFARCT, SWEDISH TYPE. Identifiers: Orphanet 477749, MedGen C5231411, MONDO:0032814, OMIM 618564.
Autosomal dominant familial hematuria-retinal arteriolar tortuosity-contractures syndrome. Also called: Angiopathy, hereditary, with nephropathy, aneurysms, and muscle cramps; Hereditary Angiopathy with Nephropathy, Aneurysms, and Muscle Cramps (HANAC) Syndrome. Identifiers: Orphanet 73229, MedGen C2673195, MONDO:0012726, OMIM 611773.
Hemorrhage, intracerebral, susceptibility to (ICH). Also called: Stroke, hemorrhagic, susceptibility to. Identifiers: MedGen C3281105, MONDO:0100533, OMIM 614519.

Allele frequency attached by ClinVar (database versions not stated): ESP Exome Variant Server 0.00008.
gnomAD v4.1: 32 of 1,613,908 alleles (0.002%); highest among the groups gnomAD compares: East Asian, 0.0045%; no homozygotes.

Submissions (4):

Labcorp Genetics (formerly Invitae), Labcorp
Classification: Uncertain significance. Last evaluated: 2025-08-09. Review status: criteria provided, single submitter. Criteria: Invitae Variant Classification Sherloc (09022015). Collection method: clinical testing. Allele origin: germline.
Comment: This sequence change replaces arginine, which is basic and polar, with cysteine, which is neutral and slightly polar, at codon 1656 of the COL4A1 protein (p.Arg1656Cys). This variant is present in population databases (rs377350886, gnomAD 0.005%). This variant has not been reported in the literature in individuals affected with COL4A1-related conditions. ClinVar contains an entry for this variant (Variation ID: 1319044). Invitae Evidence Modeling of protein sequence and biophysical properties (such as structural, functional, and spatial information, amino acid conservation, physicochemical variation, residue mobility, and thermodynamic stability) has been performed for this missense variant. However, the output from this modeling did not meet the statistical confidence thresholds required to predict the impact of this variant on COL4A1 protein function. In summary, the available evidence is currently insufficient to determine the role of this variant in disease. Therefore, it has been classified as a Variant of Uncertain Significance.

Revvity Omics, Revvity
Classification: Uncertain significance. Last evaluated: 2025-08-07. Review status: criteria provided, single submitter. Criteria: ACMG Guidelines, 2015. Collection method: clinical testing. Allele origin: germline.

Fulgent Genetics
Classification: Uncertain significance for Brain small vessel disease 1 with or without ocular anomalies; Retinal arterial tortuosity; Autosomal dominant familial hematuria-retinal arteriolar tortuosity-contractures syndrome; Hemorrhage, intracerebral, susceptibility to; Microangiopathy and leukoencephalopathy, pontine, autosomal dominant. Last evaluated: 2022-03-28. Review status: criteria provided, single submitter. Criteria: ACMG Guidelines, 2015. Collection method: clinical testing. Allele origin: unknown.

GeneDx
Classification: Uncertain significance. Last evaluated: 2019-09-10. Review status: criteria provided, single submitter. Criteria: GeneDx Variant Classification Process June 2021. Collection method: clinical testing. Allele origin: germline. Affected: yes.
Comment: In silico analysis, which includes protein predictors and evolutionary conservation, supports a deleterious effect; Has not been previously published as pathogenic or benign to our knowledge

NM_001845.6(COL4A1):c.4966C>T (p.Arg1656Cys)

Gene: COL4A1 (collagen type IV alpha 1 chain; minus strand). Cytogenetic location: 13q34.
Variant type: single nucleotide variant.
Coding change: c.4966C>T on transcript NM_001845.6 (MANE Select); coding-DNA position 4966, C replaced by T.
Protein change: p.Arg1656Cys; replaces arginine 1656 with cysteine.
Molecular consequence: missense variant.
Genome position (GRCh38, 1-based): chr13:110,150,407, G>A on the plus strand (C>T on the coding strand, the complement: COL4A1 is on the minus strand). VCF-style: chr13-110150407-G-A. GRCh37 (hg19) VCF-style: chr13-110802754-G-A.
Other names: short protein forms R1656C.
Identifiers: ClinVar variation 1319044 (VCV001319044.8), dbSNP rs377350886, ClinGen allele CA7046744.